The following is an entry in ClinVar:

NM_000071.3(CBS):c.156C>A (p.Cys52Ter)

Gene: CBS (cystathionine beta-synthase; minus strand). Cytogenetic location: 21q22.3.
Variant type: single nucleotide variant.
Coding change: c.156C>A on transcript NM_000071.3 (MANE Select); coding-DNA position 156, C replaced by A.
Protein change: p.Cys52Ter; replaces cysteine 52 with a stop codon.
Molecular consequence: nonsense.
Genome position (GRCh38, 1-based): chr21:43,072,038, G>T on the plus strand (C>A on the coding strand, the complement: CBS is on the minus strand). VCF-style: chr21-43072038-G-T. GRCh37 (hg19) VCF-style: chr21-44492148-G-T.
Other names: c.156C>A, p.Cys52Ter (NM_001178008.3, NM_001178009.3, NM_001320298.2); short protein forms C52*.
Identifiers: ClinVar variation 863695 (VCV000863695.9), dbSNP rs1983442077, ClinGen allele CA410602330.

ClinVar aggregate classification (germline): Pathogenic (1 of 4 stars; one submission).

Conditions:
HYPERHOMOCYSTEINEMIA, THROMBOTIC, CBS-RELATED. Identifiers: MedGen C3150344, OMIM 236200.

Submission:

Labcorp Genetics (formerly Invitae), Labcorp
Classification: Pathogenic for HYPERHOMOCYSTEINEMIA, THROMBOTIC, CBS-RELATED. Last evaluated: 2022-07-06. Review status: criteria provided, single submitter. Criteria: Invitae Variant Classification Sherloc (09022015). Collection method: clinical testing. Allele origin: germline.
Comment: ClinVar contains an entry for this variant (Variation ID: 863695). This sequence change creates a premature translational stop signal (p.Cys52*) in the CBS gene. It is expected to result in an absent or disrupted protein product. Loss-of-function variants in CBS are known to be pathogenic (PMID: 10338090, 12124992). This variant is not present in population databases (gnomAD no frequency). This variant has not been reported in the literature in individuals affected with CBS-related conditions. Algorithms developed to predict the effect of sequence changes on RNA splicing suggest that this variant may create or strengthen a splice site. For these reasons, this variant has been classified as Pathogenic.

Literature cited by the submitters: PubMed 10338090; PubMed 12124992.